The following is an entry in ClinVar:

NC_000002.11:g.(?_152382464)_(152385410_?)del

Gene: NEB (nebulin; minus strand). Cytogenetic location: 2q23.3.
Variant type: Deletion.
Identifiers: ClinVar variation 3247254 (VCV003247254.1).

ClinVar aggregate classification (germline): Pathogenic (1 of 4 stars; one submission).

Conditions:
Nemaline myopathy 2 (NEM2). Also called: Nemaline myopathy 2, autosomal recessive. Identifiers: MedGen C1850569, MONDO:0009725, OMIM 256030.

Submission:

Labcorp Genetics (formerly Invitae), Labcorp
Classification: Pathogenic for Nemaline myopathy 2. Last evaluated: 2023-12-12. Review status: criteria provided, single submitter. Criteria: Invitae Variant Classification Sherloc (09022015). Collection method: clinical testing. Allele origin: unknown.
Comment: This variant is a gross deletion of the genomic region encompassing exon(s) 148-151 of the NEB gene. This variant would be expected to be in-frame, preserving the integrity of the reading frame. A similar copy number variant has been observed in individual(s) with clinical features of nemaline myopathy (PMID: 27105866). This variant disrupts a region of the NEB protein in which other variant(s) (p.Thr7417Pro) have been determined to be pathogenic (PMID: 16917880, 17525139, 25110572). This suggests that this is a clinically significant region of the protein, and that variants that disrupt it are likely to be disease-causing. For these reasons, this variant has been classified as Pathogenic.

Literature cited by the submitters: PubMed 27105866; PubMed 16917880; PubMed 17525139; PubMed 25110572.